The following is an entry in ClinVar:

NM_000384.3(APOB):c.5619T>C (p.Ala1873=)

Gene: APOB (apolipoprotein B; minus strand). Cytogenetic location: 2p24.1.
Variant type: single nucleotide variant.
Coding change: c.5619T>C on transcript NM_000384.3 (MANE Select); coding-DNA position 5619, T replaced by C.
Protein change: p.Ala1873=; no amino-acid change (alanine 1873 retained).
Molecular consequence: synonymous variant.
Genome position (GRCh38, 1-based): chr2:21,011,249, A>G on the plus strand (T>C on the coding strand, the complement: APOB is on the minus strand). VCF-style: chr2-21011249-A-G. GRCh37 (hg19) VCF-style: chr2-21234121-A-G.
Identifiers: ClinVar variation 3356782 (VCV003356782.1).

ClinVar aggregate classification (germline): Likely benign (0 of 4 stars; one submission).

Conditions:
APOB-related disorder. Also called: APOB-related condition; APOB-related disorders.

gnomAD v4.1: 1 of 1,614,122 alleles (0.000062%); highest among the groups gnomAD compares: African/African-American, 0.0013%; no homozygotes.

Submission:

PreventionGenetics, part of Exact Sciences
Classification: Likely benign for APOB-related condition. Last evaluated: 2024-04-19. Review status: no assertion criteria provided. Collection method: clinical testing. Allele origin: germline.
Comment: This variant is classified as likely benign based on ACMG/AMP sequence variant interpretation guidelines (Richards et al. 2015 PMID: 25741868, with internal and published modifications).